The following is an entry in ClinVar:

NM_004369.4(COL6A3):c.8465-18T>C

Gene: COL6A3 (collagen type VI alpha 3 chain; minus strand). Cytogenetic location: 2q37.3.
Variant type: single nucleotide variant.
Coding change: c.8465-18T>C on transcript NM_004369.4 (MANE Select); 18 bases into the intron before coding-DNA position 8465, T replaced by C.
Molecular consequence: intron variant.
Genome position (GRCh38, 1-based): chr2:237,339,135, A>G on the plus strand (T>C on the coding strand, the complement: COL6A3 is on the minus strand). VCF-style: chr2-237339135-A-G. GRCh37 (hg19) VCF-style: chr2-238247778-A-G.
Other names: c.6644-18T>C (NM_057166.5); c.7847-18T>C (NM_057167.4).
Identifiers: ClinVar variation 680547 (VCV000680547.6), dbSNP rs1318549888, ClinGen allele CA766625015.

ClinVar aggregate classification (germline): Likely benign. Review status: criteria provided, multiple submitters, no conflicts (2 of 4 stars). 2 submissions from 2 submitters: Likely benign (2). Last evaluated 2022-09-13.

Conditions:
Bethlem myopathy 1A. Also called: Bethlem Muscular Dystrophy; Bethlem myopathy 1; MYOPATHY, BENIGN CONGENITAL, WITH CONTRACTURES. Identifiers: Orphanet 610, MedGen CN029274, MONDO:0024530, OMIM 158810.

Allele frequency attached by ClinVar (database versions not stated): gnomAD exomes 0.00001; TOPMed 0.00001.
gnomAD v4.1: 14 of 1,569,616 alleles (0.00089%); highest among the groups gnomAD compares: Non-Finnish European, 0.0011%; no homozygotes.

Submissions (2):

Labcorp Genetics (formerly Invitae), Labcorp
Classification: Likely benign for Bethlem myopathy 1A. Last evaluated: 2022-09-13. Review status: criteria provided, single submitter. Criteria: Invitae Variant Classification Sherloc (09022015). Collection method: clinical testing. Allele origin: germline.

GeneDx
Classification: Likely benign. Last evaluated: 2018-03-21. Review status: criteria provided, single submitter. Criteria: GeneDx Variant Classification (06012015). Collection method: clinical testing. Allele origin: germline. Affected: yes.
Comment: This variant is considered likely benign or benign based on one or more of the following criteria: it is a conservative change, it occurs at a poorly conserved position in the protein, it is predicted to be benign by multiple in silico algorithms, and/or has population frequency not consistent with disease.